The following is an entry in ClinVar:

ClinVar aggregate classification (germline): Benign; other. Review status: criteria provided, multiple submitters, no conflicts (2 of 4 stars). 14 submissions from 14 submitters: Benign (11). 2 of the submissions do not count toward it. Last evaluated 2026-07-01.

Conditions:
Cardiovascular phenotype. Identifiers: MedGen CN230736.
Glycogen storage disease, type II (IOPD). Also called: POMPE DISEASE, INFANTILE-ONSET; GLYCOGEN STORAGE DISEASE II, INFANTILE-ONSET; ACID ALPHA-GLUCOSIDASE DEFICIENCY, INFANTILE-ONSET; GAA DEFICIENCY, INFANTILE-ONSET; ACID MALTASE DEFICIENCY, INFANTILE-ONSET; Pompe Disease. Identifiers: Orphanet 365, MedGen C0017921, MONDO:0009290, OMIM 232300.

Allele frequency attached by ClinVar (database versions not stated): ExAC 0.01793; 1000 Genomes Project 0.03714; 1000 Genomes Project 30x 0.03607; TOPMed 0.00842; gnomAD exomes 0.01766 and 0.00807; ESP Exome Variant Server 0.00077; gnomAD 0.00653.
gnomAD v4.1: 13,467 of 1,613,972 alleles (0.83%); highest among the groups gnomAD compares: East Asian, 17%; 806 homozygotes.

Submissions (14):

Genomenon, Inc
Classification: Benign for Glycogen storage disease, type II. Last evaluated: 2026-07-01. Review status: criteria provided, single submitter. Criteria: Genomenon Sequence Variant Interpretation Standards - Updated. Collection method: curation. Allele origin: germline. Affected: no.
Comment: GAA p.Gly576Ser (c.1726G>A) is a missense variant that changes the amino acid at codon 576 from Glycine to Serine. This variant is present at high allele frequency in population databases. We classify GAA p.Gly576Ser (c.1726G>A) as a benign variant.

ARUP Laboratories, Molecular Genetics and Genomics, ARUP Laboratories
Classification: Benign for Glycogen storage disease, type II. Last evaluated: 2025-07-23. Review status: criteria provided, single submitter. Criteria: ARUP Molecular Germline Variant Investigation Process 2024. Collection method: clinical testing. Allele origin: germline.

Ambry Genetics
Classification: Benign for Cardiovascular phenotype. Last evaluated: 2023-03-30. Review status: criteria provided, single submitter. Criteria: Ambry Variant Classification Scheme 2023. Collection method: clinical testing. Allele origin: germline.

Labcorp Genetics (formerly Invitae), Labcorp
Classification: other for Glycogen storage disease, type II. Last evaluated: 2018-12-31. Review status: criteria provided, single submitter. Criteria: Invitae Variant Classification Sherloc (09022015). Collection method: clinical testing. Allele origin: germline.

Illumina Laboratory Services, Illumina
Classification: Benign for Glycogen storage disease, type II. Last evaluated: 2018-03-06. Review status: criteria provided, single submitter. Criteria: ICSL Variant Classification Criteria 13 December 2019. Collection method: clinical testing. Allele origin: germline.
Comment: This variant was observed in the ICSL laboratory as part of a predisposition screen in an ostensibly healthy population. It had not been previously curated by ICSL or reported in the Human Gene Mutation Database (HGMD: prior to June 1st, 2018), and was therefore a candidate for classification through an automated scoring system. Utilizing variant allele frequency, disease prevalence and penetrance estimates, and inheritance mode, an automated score was calculated to assess if this variant is too frequent to cause the disease. Based on the score and internal cut-off values, a variant classified as benign is not then subjected to further curation. The score for this variant resulted in a classification of benign for this disease.

GeneDx
Classification: Benign. Last evaluated: 2018-01-04. Review status: criteria provided, single submitter. Criteria: GeneDx Variant Classification Process June 2021. Collection method: clinical testing. Allele origin: germline. Affected: yes.
Comment: This variant is associated with the following publications: (PMID: 9266392, 21644219, 18301443, 14643388, 17805474, 28725570)

Department of Pathology and Laboratory Medicine, Sinai Health System
Classification: Benign for Glycogen storage disease, type II. Last evaluated: 2017-05-15. Review status: criteria provided, single submitter. Criteria: ACMG Guidelines, 2015. Collection method: clinical testing. Allele origin: germline.

Eurofins Ntd Llc (ga)
Classification: Benign. Last evaluated: 2017-05-03. Review status: criteria provided, single submitter. Criteria: EGL Classification Definitions 2015. Collection method: clinical testing. Allele origin: germline. Observed: 2 variant alleles, 2 heterozygotes.

Women's Health and Genetics/Laboratory Corporation of America, LabCorp
Classification: Benign. Last evaluated: 2017-05-03. Review status: criteria provided, single submitter. Criteria: LabCorp Variant Classification Summary - May 2015. Collection method: clinical testing. Allele origin: germline.
Comment: Variant summary: The GAA c.1726G>A (p.Gly576Ser) variant involves the alteration of a conserved nucleotide resulting in a missense substitution in the glycoside hydrolase superfamily domain (InterPro). 4/4 in silico tools predict a damaging outcome for this variant. This variant was found in the large control database ExAC in 2266 of 121736 control chromosomes (124 homozygotes) from all ethnicities, but was predominantly observed in the East Asian subpopulation at a frequency of 0.144416 (1244/8614; 109 homozygotes). This frequency is about 34 times the estimated maximal expected allele frequency of a pathogenic GAA variant (0.0042205), strongly suggesting this is likely a benign polymorphism found primarily in the populations of East Asian origin. This variant and its haplotype complex, p.[G576S; E689K], are widely regarded as a variant causing pseudodeficiency of alfa-glucosidase. The subjects who carried the p.[G576S;E689K] in homozygous state or compound heterozygous state with a truncating variant were not found to clinically manifest Pompe disease, yet they had a reduced enzymatic activity (Kroos_EJHG_2008). In addition, this variant has also been found in cis with two known pathogenic variants (p. Asp645Glu and p.Trp746Cys) in patients with Pompe disease (Yang_MGM_2011), strongly suggesting for a benign outcome. In vitro functional studies are consistent with this variant being a functional polymorphism; this variant maintains a residual activity and it can significantly reduce the functional activity of a potentially pathogenic variant when found in cis (Pipo_Peditr Neurol_2003; Yang_MGM_2011). In addition, multiple clinical diagnostic laboratories/reputable databases classified this variant as benign. Taken together, this variant is classified as benign.

Center for Pediatric Genomic Medicine, Children's Mercy Hospital and Clinics
Classification: Benign. Last evaluated: 2016-11-04. Review status: criteria provided, single submitter. Criteria: ACMG Guidelines, 2015. Collection method: clinical testing. Allele origin: germline.

Breakthrough Genomics
Classification: Benign. Review status: criteria provided, single submitter. Criteria: ACMG Guidelines, 2015. Collection method: not provided. Allele origin: germline. Inheritance: Autosomal recessive inheritance. Affected: yes.

PreventionGenetics, part of Exact Sciences
Classification: Benign. Review status: criteria provided, single submitter. Criteria: ACMG Guidelines, 2015. Collection method: clinical testing. Allele origin: germline.

GeneReviews
No classification provided. Condition: Glycogen storage disease, type II. Review status: no classification provided. Collection method: literature only. Allele origin: germline. Not counted in ClinVar's aggregate classification.
Comment: Pseudodeficiency allele c.1726 G>A (p.Gly576Ser), which interferes with enzyme activity toward artificial substrates, is relatively common in Asian as well as other populations studied as part of newborn screening programs.

Genetic Services Laboratory, University of Chicago
Classification: Likely benign for AllHighlyPenetrant. Review status: no assertion criteria provided. Collection method: clinical testing. Allele origin: germline. Inheritance: Autosomal recessive inheritance. Not counted in ClinVar's aggregate classification.
Comment: Likely benign based on allele frequency in 1000 Genomes Project or ESP global frequency and its presence in a patient with a rare or unrelated disease phenotype. NOT Sanger confirmed.

Literature cited by the submitters: PubMed 14643388 (cited by 3 submitters); PubMed 17805474 (cited by 3 submitters); PubMed 18301443 (cited by 3 submitters); PubMed 28725570 (cited by Ambry Genetics); PubMed 9266392 (cited by Ambry Genetics and Department of Pathology and Laboratory Medicine, Sinai Health System); PubMed 7603530 (cited by Department of Pathology and Laboratory Medicine, Sinai Health System); PubMed 25526786 (cited by Department of Pathology and Laboratory Medicine, Sinai Health System); PubMed 19362502 (cited by Department of Pathology and Laboratory Medicine, Sinai Health System); PubMed 18458862 (cited by Department of Pathology and Laboratory Medicine, Sinai Health System and Women's Health and Genetics/Laboratory Corporation of America, LabCorp); PubMed 21757382 (cited by Women's Health and Genetics/Laboratory Corporation of America, LabCorp); PubMed 20080426 (cited by GeneReviews); PubMed 25444528 (cited by GeneReviews); PubMed 28196920 (cited by GeneReviews); PubMed 20301438 (cited by GeneReviews).

NM_000152.5(GAA):c.1726G>A (p.Gly576Ser)

Gene: GAA (alpha glucosidase; plus strand). Cytogenetic location: 17q25.3.
Variant type: single nucleotide variant.
Coding change: c.1726G>A on transcript NM_000152.5 (MANE Select); coding-DNA position 1726, G replaced by A.
Protein change: p.Gly576Ser; replaces glycine 576 with serine.
Molecular consequence: missense variant.
Genome position (GRCh38, 1-based): chr17:80,112,072, G>A. VCF-style: chr17-80112072-G-A. GRCh37 (hg19) VCF-style: chr17-78085871-G-A.
Other names: c.1726G>A, p.Gly576Ser (NM_001079803.3, NM_001079804.3); short protein forms G576S.
Identifiers: ClinVar variation 92467 (VCV000092467.37), dbSNP rs1800307, ClinGen allele CA145760.
Genomic context (GRCh38, chr17:80,112,072, plus strand): 5'-ACCATCTGTGCCTCCAGCCACCAGTTTCTCTCCACACACTACAACCTGCACAACCTCTAC[G>A]GCCTGACCGAAGCCATCGCCTCCCACAGGTGAGGGCCACGTCCCGCCCCACTGGGCTCTG-3'
Protein context (NP_000143.2, residues 566-586): STHYNLHNLY[Gly576Ser]LTEAIASHRA